The following is an entry in ClinVar:

NM_005612.5(REST):c.2413C>G (p.Leu805Val)

Gene: REST (RE1 silencing transcription factor; plus strand). Cytogenetic location: 4q12.
Variant type: single nucleotide variant.
Coding change: c.2413C>G on transcript NM_005612.5 (MANE Select); coding-DNA position 2413, C replaced by G.
Protein change: p.Leu805Val; replaces leucine 805 with valine.
Molecular consequence: missense variant.
Genome position (GRCh38, 1-based): chr4:56,931,271, C>G. VCF-style: chr4-56931271-C-G. GRCh37 (hg19) VCF-style: chr4-57797437-C-G.
Other names: c.2413C>G, p.Leu805Val (NM_001193508.2, NM_001363453.3); short protein forms L805V.
Identifiers: ClinVar variation 1057131 (VCV001057131.10), dbSNP rs767066151, ClinGen allele CA2932480.
Genomic context (GRCh38, chr4:56,931,271, plus strand): 5'-ATGGGGGTGGTTCAGAAGGAGCCTGCTCAGAGGGAGCCACCTCCTCCCAGAGAGCCTCCC[C>G]TTCACATGGAGCCAATTTCCAAAAAGCCTCCTCTCCGAAAAGATAAAAAGGAAAAGTCTA-3'
Protein context (NP_005603.3, residues 795-815): REPPPPREPP[Leu805Val]HMEPISKKPP

ClinVar aggregate classification (germline): Uncertain significance. Review status: criteria provided, multiple submitters, no conflicts (2 of 4 stars). 2 submissions from 2 submitters: Uncertain significance (2). Last evaluated 2024-07-05.

Conditions:
Inborn genetic diseases. Identifiers: MedGen C0950123, MeSH D030342.

Allele frequency attached by ClinVar (database versions not stated): gnomAD 0.00002; TOPMed 0.00004.
gnomAD v4.1: 22 of 1,614,110 alleles (0.0014%); highest among the groups gnomAD compares: Admixed American, 0.032%; no homozygotes.

Submissions (2):

Ambry Genetics
Classification: Uncertain significance for Inborn genetic diseases. Last evaluated: 2024-07-05. Review status: criteria provided, single submitter. Criteria: Ambry Variant Classification Scheme 2023. Collection method: clinical testing. Allele origin: germline.

Labcorp Genetics (formerly Invitae), Labcorp
Classification: Uncertain significance. Last evaluated: 2024-06-12. Review status: criteria provided, single submitter. Criteria: Invitae Variant Classification Sherloc (09022015). Collection method: clinical testing. Allele origin: germline.
Comment: This sequence change replaces leucine, which is neutral and non-polar, with valine, which is neutral and non-polar, at codon 805 of the REST protein (p.Leu805Val). This variant is present in population databases (rs767066151, gnomAD 0.04%), and has an allele count higher than expected for a pathogenic variant. This variant has not been reported in the literature in individuals affected with REST-related conditions. ClinVar contains an entry for this variant (Variation ID: 1057131). Algorithms developed to predict the effect of missense changes on protein structure and function output the following: SIFT: "Not Available"; PolyPhen-2: "Benign"; Align-GVGD: "Not Available". The valine amino acid residue is found in multiple mammalian species, which suggests that this missense change does not adversely affect protein function. In summary, the available evidence is currently insufficient to determine the role of this variant in disease. Therefore, it has been classified as a Variant of Uncertain Significance.